The following is an entry in ClinVar:

ClinVar aggregate classification (germline): Uncertain significance (0 of 4 stars; one submission).

Conditions:
GRIA1-related disorder. Also called: GRIA1-related condition.

Submission:

PreventionGenetics, part of Exact Sciences
Classification: Uncertain significance for GRIA1-related condition. Last evaluated: 2024-07-11. Review status: no assertion criteria provided. Collection method: clinical testing. Allele origin: germline.
Comment: The GRIA1 c.1379G>A variant is predicted to result in the amino acid substitution p.Ser460Asn. To our knowledge, this variant has not been reported in the literature or in a large population database, indicating this variant is rare. At this time, the clinical significance of this variant is uncertain due to the absence of conclusive functional and genetic evidence.

NM_000827.4(GRIA1):c.1379G>A (p.Ser460Asn)

Gene: GRIA1 (glutamate ionotropic receptor AMPA type subunit 1; plus strand). Cytogenetic location: 5q33.2.
Variant type: single nucleotide variant.
Coding change: c.1379G>A on transcript NM_000827.4 (MANE Select); coding-DNA position 1379, G replaced by A.
Protein change: p.Ser460Asn; replaces serine 460 with asparagine.
Molecular consequence: missense variant. On other transcripts: non-coding transcript variant (2).
Genome position (GRCh38, 1-based): chr5:153,699,000, G>A. VCF-style: chr5-153699000-G-A. GRCh37 (hg19) VCF-style: chr5-153078560-G-A.
Other names: c.1379G>A, p.Ser460Asn (NM_001114183.2); c.1139G>A, p.Ser380Asn (NM_001258019.2); c.1094G>A, p.Ser365Asn (NM_001258020.2); c.1409G>A, p.Ser470Asn (NM_001258021.2, NM_001258022.2); c.1172G>A, p.Ser391Asn (NM_001258023.1, NM_001364167.2); c.1211G>A, p.Ser404Asn (NM_001364165.2); c.1406G>A, p.Ser469Asn (NM_001364166.2); short protein forms S365N, S380N, S391N, S404N, S460N, S469N, S470N.
Identifiers: ClinVar variation 3345279 (VCV003345279.1).